The following is an entry in ClinVar:

ClinVar aggregate classification (germline): Uncertain significance. Review status: criteria provided, multiple submitters, no conflicts (2 of 4 stars). 2 submissions from 2 submitters: Uncertain significance (2). Last evaluated 2025-09-16.

Conditions:
Radioulnar synostosis with amegakaryocytic thrombocytopenia 2 (RUSAT2). Also called: RADIOULNAR SYNOSTOSIS AND AMEGAKARYOCYTIC THROMBOCYTOPENIA 2. Identifiers: Orphanet 71289, MedGen C4225221, MONDO:0014758, OMIM 616738.

gnomAD v4.1: 3 of 1,614,068 alleles (0.00019%); highest among the groups gnomAD compares: Non-Finnish European, 0.00025%; no homozygotes.

Submissions (2):

Labcorp Genetics (formerly Invitae), Labcorp
Classification: Uncertain significance. Last evaluated: 2025-09-16. Review status: criteria provided, single submitter. Criteria: Invitae Variant Classification Sherloc (09022015). Collection method: clinical testing. Allele origin: germline.
Comment: This sequence change replaces lysine, which is basic and polar, with asparagine, which is neutral and polar, at codon 421 of the MECOM protein (p.Lys421Asn). This variant is present in population databases (no rsID available, gnomAD 0.007%). This variant has not been reported in the literature in individuals affected with MECOM-related conditions. ClinVar contains an entry for this variant (Variation ID: 3377782). An algorithm developed to predict the effect of missense changes on protein structure and function (PolyPhen-2) suggests that this variant is likely to be disruptive. In summary, the available evidence is currently insufficient to determine the role of this variant in disease. Therefore, it has been classified as a Variant of Uncertain Significance.

St. Jude Molecular Pathology, St. Jude Children's Research Hospital
Classification: Uncertain significance for Radioulnar synostosis with amegakaryocytic thrombocytopenia 2. Last evaluated: 2024-04-11. Review status: criteria provided, single submitter. Criteria: St. Jude Assertion Criteria 2020. Collection method: clinical testing. Allele origin: germline.
Comment: The MECOM c.1458A>C (p.Lys486Asn) missense change has a maximum subpopulation frequency of 0.0016% in gnomAD v2.1.1. The in silico tool REVEL predicts a benign effect on protein function, but this prediction has not been confirmed by functional studies. This variant has been reported in one individual with myelodysplastic syndrome (PMID: 29146900). This variant has not been reported in individuals with MECOM-related conditions. In summary, the evidence currently available is insufficient to determine the clinical significance of this variant. It has therefore been classified as of uncertain significance.

NM_004991.4(MECOM):c.1827A>C (p.Lys609Asn)

Gene: MECOM (MDS1 and EVI1 complex locus; minus strand). Cytogenetic location: 3q26.2.
Variant type: single nucleotide variant.
Coding change: c.1827A>C on transcript NM_004991.4 (MANE Select); coding-DNA position 1827, A replaced by C.
Protein change: p.Lys609Asn; replaces lysine 609 with asparagine.
Molecular consequence: missense variant. On other transcripts: intron variant (2).
Genome position (GRCh38, 1-based): chr3:169,116,045, T>G on the plus strand (A>C on the coding strand, the complement: MECOM is on the minus strand). VCF-style: chr3-169116045-T-G. GRCh37 (hg19) VCF-style: chr3-168833833-T-G.
Other names: c.1458A>C, p.Lys486Asn (NM_001105077.4); c.1263A>C, p.Lys421Asn (NM_001105078.4, NM_001164000.2, NM_001205194.2 and 4 more transcripts); c.1266A>C, p.Lys422Asn (NM_001163999.2, NM_001366467.2, NM_001366468.2 and 1 more transcripts); c.1827A>C, p.Lys609Asn (NM_001366466.2); c.1133-278A>C (NM_001366473.2); c.569-278A>C (NM_001366474.2); short protein forms K421N, K422N, K486N, K609N.
Identifiers: ClinVar variation 3377782 (VCV003377782.2).